The following is an entry in ClinVar:

NM_000059.4(BRCA2):c.3970T>C (p.Tyr1324His)

Gene: BRCA2 (BRCA2 DNA repair associated; plus strand). Cytogenetic location: 13q13.1.
Variant type: single nucleotide variant.
Coding change: c.3970T>C on transcript NM_000059.4 (MANE Select); coding-DNA position 3970, T replaced by C.
Protein change: p.Tyr1324His; replaces tyrosine 1324 with histidine.
Molecular consequence: missense variant.
Genome position (GRCh38, 1-based): chr13:32,338,325, T>C. VCF-style: chr13-32338325-T-C. GRCh37 (hg19) VCF-style: chr13-32912462-T-C.
Other names: short protein forms Y1324H.
Identifiers: ClinVar variation 246051 (VCV000246051.13), dbSNP rs879254067, ClinGen allele CA10584444.

ClinVar aggregate classification (germline): Conflicting classifications of pathogenicity. Review status: criteria provided, conflicting classifications (1 of 4 stars). 6 submissions from 6 submitters: Uncertain significance (5); Likely benign (1). Last evaluated 2024-08-05.

Conditions:
Hereditary cancer-predisposing syndrome. Also called: Hereditary neoplastic syndrome; Neoplastic Syndromes, Hereditary; Tumor predisposition; Hereditary Cancer Syndrome. Identifiers: Orphanet 140162, MedGen C0027672, MeSH D009386, MONDO:0015356.
Hereditary breast ovarian cancer syndrome. Also called: Hereditary breast and ovarian cancer syndrome (HBOC); Hereditary breast and ovarian cancer; Hereditary breast and ovarian cancer syndrome; Breast and ovarian cancer; Hereditary breast and/or ovarian cancer syndrome; BRCA1- and BRCA2-Associated Hereditary Breast and Ovarian Cancer. Identifiers: Orphanet 145, MedGen C0677776, MeSH D061325, MONDO:0003582. Disease mechanism: loss of function.

Submissions (6):

Labcorp Genetics (formerly Invitae), Labcorp
Classification: Uncertain significance for Hereditary breast ovarian cancer syndrome. Last evaluated: 2024-08-05. Review status: criteria provided, single submitter. Criteria: Invitae Variant Classification Sherloc (09022015). Collection method: clinical testing. Allele origin: germline.
Comment: This sequence change replaces tyrosine, which is neutral and polar, with histidine, which is basic and polar, at codon 1324 of the BRCA2 protein (p.Tyr1324His). This variant is not present in population databases (gnomAD no frequency). This variant has not been reported in the literature in individuals affected with BRCA2-related conditions. ClinVar contains an entry for this variant (Variation ID: 246051). Advanced modeling of protein sequence and biophysical properties (such as structural, functional, and spatial information, amino acid conservation, physicochemical variation, residue mobility, and thermodynamic stability) performed at Invitae indicates that this missense variant is not expected to disrupt BRCA2 protein function with a negative predictive value of 95%. In summary, the available evidence is currently insufficient to determine the role of this variant in disease. Therefore, it has been classified as a Variant of Uncertain Significance.

University of Washington Department of Laboratory Medicine, University of Washington
Classification: Likely benign for Hereditary cancer-predisposing syndrome. Last evaluated: 2023-03-23. Review status: criteria provided, single submitter. Criteria: Dines et al. (Genet Med. 2020). Collection method: curation. Allele origin: germline.
Comment: Missense variant in a coldspot region where missense variants are very unlikely to be pathogenic (PMID:31911673).

BRCA2 exon 11 coldspot. Reclassification based on statistical prior probability.

Color Diagnostics, LLC DBA Color Health
Classification: Uncertain significance for Hereditary cancer-predisposing syndrome. Last evaluated: 2022-06-21. Review status: criteria provided, single submitter. Criteria: ACMG Guidelines, 2015. Collection method: clinical testing. Allele origin: germline.
Comment: This missense variant replaces tyrosine with histidine at codon 1324 of the BRCA2 protein. Computational prediction suggests that this variant may not impact protein structure and function (internally defined REVEL score threshold <= 0.5, PMID: 27666373). To our knowledge, functional studies have not been reported for this variant. This variant has not been reported in individuals affected with hereditary cancer in the literature. This variant has not been identified in the general population by the Genome Aggregation Database (gnomAD). The available evidence is insufficient to determine the role of this variant in disease conclusively. Therefore, this variant is classified as a Variant of Uncertain Significance.

Women's Health and Genetics/Laboratory Corporation of America, LabCorp
Classification: Uncertain significance. Last evaluated: 2021-08-09. Review status: criteria provided, single submitter. Criteria: LabCorp Variant Classification Summary - May 2015. Collection method: clinical testing. Allele origin: germline.
Comment: Variant summary: BRCA2 c.3970T>C (p.Tyr1324His) results in a conservative amino acid change in the encoded protein sequence. Five of five in-silico tools predict a benign effect of the variant on protein function. The variant was absent in 229858 control chromosomes (gnomAD). The available data on variant occurrences in the general population are insufficient to allow any conclusion about variant significance. To our knowledge, no occurrence of c.3970T>C in individuals affected with Hereditary Breast And Ovarian Cancer Syndrome and no experimental evidence demonstrating its impact on protein function have been reported. Two ClinVar submitters (evaluation after 2014) cite the variant as uncertain significance. Based on the evidence outlined above, the variant was classified as uncertain significance.

Ambry Genetics
Classification: Uncertain significance for Hereditary cancer-predisposing syndrome. Last evaluated: 2018-12-31. Review status: criteria provided, single submitter. Criteria: Ambry Variant Classification Scheme 2023. Collection method: clinical testing. Allele origin: germline.
Comment: The p.Y1324H variant (also known as c.3970T>C), located in coding exon 10 of the BRCA2 gene, results from a T to C substitution at nucleotide position 3970. The tyrosine at codon 1324 is replaced by histidine, an amino acid with similar properties. This amino acid position is poorly conserved in available vertebrate species. In addition, this alteration is predicted to be tolerated by in silico analysis. Since supporting evidence is limited at this time, the clinical significance of this alteration remains unclear.

GeneDx
Classification: Uncertain significance. Last evaluated: 2015-11-06. Review status: criteria provided, single submitter. Criteria: GeneDx Variant Classification (06012015). Collection method: clinical testing. Allele origin: germline. Affected: yes.
Comment: This variant is denoted BRCA2 c.3970T>C at the cDNA level, p.Tyr1324His (Y1324H) at the protein level, and results in the change of a Tyrosine to a Histidine (TAT>CAT). Using alternate nomenclature, this variant would be defined as BRCA2 4198T>C. This variant has not, to our knowledge, been published in the literature as pathogenic or benign. BRCA2 Tyr1324His was not observed in approximately 6,500 individuals of European and African American ancestry in the NHLBI Exome Sequencing Project, suggesting it is not a common benign variant in these populations. Since Tyrosine and Histidine differ in polarity, charge, size or other properties, this is considered a non-conservative amino acid substitution. BRCA2 Tyr1324His occurs at a position that is not conserved and is not located in a known functional domain (UniProt). In silico analyses predict that this variant is unlikely to alter protein structure or function. Based on currently available evidence, it is unclear whether BRCA2 Tyr1324His is a pathogenic or benign variant. We consider it to be a variant of uncertain significance.